The following is an entry in ClinVar:

NM_020778.5(ALPK3):c.3934G>A (p.Asp1312Asn)

Gene: ALPK3 (alpha kinase 3; plus strand). Cytogenetic location: 15q25.3.
Variant type: single nucleotide variant.
Coding change: c.3934G>A on transcript NM_020778.5 (MANE Select); coding-DNA position 3934, G replaced by A.
Protein change: p.Asp1312Asn; replaces aspartic acid 1312 with asparagine.
Molecular consequence: missense variant.
Genome position (GRCh38, 1-based): chr15:84,859,359, G>A. VCF-style: chr15-84859359-G-A. GRCh37 (hg19) VCF-style: chr15-85402590-G-A.
Other names: short protein forms D1312N.
Identifiers: ClinVar variation 4044645 (VCV004044645.2).

ClinVar aggregate classification (germline): Uncertain significance. Review status: criteria provided, multiple submitters, no conflicts (2 of 4 stars). 2 submissions from 2 submitters: Uncertain significance (2). Last evaluated 2025-10-01.

Conditions:
Cardiovascular phenotype. Identifiers: MedGen CN230736.

Submissions (2):

Labcorp Genetics (formerly Invitae), Labcorp
Classification: Uncertain significance. Last evaluated: 2025-10-01. Review status: criteria provided, single submitter. Criteria: Invitae Variant Classification Sherloc (09022015). Collection method: clinical testing. Allele origin: germline.
Comment: This sequence change replaces aspartic acid, which is acidic and polar, with asparagine, which is neutral and polar, at codon 1514 of the ALPK3 protein (p.Asp1514Asn). This variant is present in population databases (rs757416495, gnomAD 0.01%). This variant has not been reported in the literature in individuals affected with ALPK3-related conditions. ClinVar contains an entry for this variant (Variation ID: 4044645). Invitae Evidence Modeling of protein sequence and biophysical properties (such as structural, functional, and spatial information, amino acid conservation, physicochemical variation, residue mobility, and thermodynamic stability) indicates that this missense variant is expected to disrupt ALPK3 protein function with a positive predictive value of 80%. In summary, the available evidence is currently insufficient to determine the role of this variant in disease. Therefore, it has been classified as a Variant of Uncertain Significance.

Ambry Genetics
Classification: Uncertain significance for Cardiovascular phenotype. Last evaluated: 2025-04-20. Review status: criteria provided, single submitter. Criteria: Ambry Variant Classification Scheme 2023. Collection method: clinical testing. Allele origin: germline.
Comment: The p.D1514N variant (also known as c.4540G>A), located in coding exon 7 of the ALPK3 gene, results from a G to A substitution at nucleotide position 4540. The aspartic acid at codon 1514 is replaced by asparagine, an amino acid with highly similar properties. This amino acid position is conserved. In addition, this alteration is predicted to be tolerated by in silico analysis. Based on the available evidence, the clinical significance of this variant remains unclear.